The following is an entry in ClinVar:

ClinVar aggregate classification (germline): Benign/Likely benign. Review status: criteria provided, multiple submitters, no conflicts (2 of 4 stars). 17 submissions from 16 submitters: Benign (9); Likely benign (3). 5 of the submissions do not count toward it. Last evaluated 2026-03-04.

Conditions:
Colorectal cancer. Also called: Malignant Colorectal Neoplasm; Colorectal cancer, somatic. Identifiers: MedGen C0346629, MONDO:0005575, OMIM 114500.
Endometrial carcinoma. Also called: Endometrial carcinoma, somatic. Identifiers: MedGen C0476089, MONDO:0002447, OMIM 608089, HP:0012114.
Colorectal cancer, hereditary nonpolyposis, type 7. Identifiers: Orphanet 144, MedGen C1858380, MONDO:0013725, OMIM 614385.

Allele frequency attached by ClinVar (database versions not stated): gnomAD 0.02049; TOPMed 0.02075; 1000 Genomes Project 0.02596; 1000 Genomes Project 30x 0.02608.

Submissions (17):

Myriad Genetics, Inc.
Classification: Likely benign for Colorectal cancer, hereditary nonpolyposis, type 7. Last evaluated: 2026-03-04. Review status: criteria provided, single submitter. Criteria: Myriad Autosomal Dominant, Autosomal Recessive and X-Linked Classification Criteria (2023). Collection method: clinical testing. Allele origin: unknown.
Comment: This variant is considered likely benign. This variant has been observed at a population frequency that is significantly greater than expected given the associated disease prevalence and penetrance.

Labcorp Genetics (formerly Invitae), Labcorp
Classification: Benign for Colorectal cancer, hereditary nonpolyposis, type 7. Last evaluated: 2026-02-04. Review status: criteria provided, single submitter. Criteria: Invitae Variant Classification Sherloc (09022015). Collection method: clinical testing. Allele origin: germline.

ARUP Laboratories, Molecular Genetics and Genomics, ARUP Laboratories
Classification: Benign. Last evaluated: 2025-03-04. Review status: criteria provided, single submitter. Criteria: ARUP Molecular Germline Variant Investigation Process 2024. Collection method: clinical testing. Allele origin: germline.

Center for Genomic Medicine, Rigshospitalet, Copenhagen University Hospital
Classification: Benign. Last evaluated: 2025-03-04. Review status: criteria provided, single submitter. Criteria: ACMG Guidelines, 2015. Collection method: clinical testing. Allele origin: germline.

CeGaT Center for Human Genetics Tuebingen
Classification: Benign. Last evaluated: 2023-12-01. Review status: criteria provided, single submitter. Criteria: CeGaT Center For Human Genetics Tuebingen Variant Classification Criteria Version 2. Collection method: clinical testing. Allele origin: germline. Affected: yes. Observed: 1 variant allele.
Comment: MLH3: BP4, BS1, BS2

Mayo Clinic Laboratories, Mayo Clinic
Classification: Benign. Last evaluated: 2023-02-08. Review status: criteria provided, single submitter. Criteria: ACMG Guidelines, 2015. Collection method: clinical testing. Allele origin: germline. Observed: 15 variant alleles.

Laboratory for Molecular Medicine, Mass General Brigham Personalized Medicine
Classification: Benign. Last evaluated: 2022-03-30. Review status: criteria provided, single submitter. Criteria: ACMG Guidelines, 2015. Collection method: clinical testing. Allele origin: germline.
Comment: The c.2221G>T (p.Val741Phe) variant in MLH3 is classified as benign since it has ben identified in 5% of African chromosomes in gnomAD, including 35 homozygotes. ACMG/AMP Criteria_ BA1.

Department of Pathology and Laboratory Medicine, Sinai Health System
Classification: Benign for Colorectal cancer; Endometrial carcinoma; Colorectal cancer, hereditary nonpolyposis, type 7. Last evaluated: 2021-06-02. Review status: criteria provided, single submitter. Criteria: ACMG Guidelines, 2015. Collection method: clinical testing. Allele origin: germline. Affected: yes.

Ambry Genetics
Classification: Benign. Last evaluated: 2020-07-30. Review status: criteria provided, single submitter. Criteria: Ambry Variant Classification Scheme 2023. Collection method: clinical testing. Allele origin: germline.

Mendelics
Classification: Benign. Last evaluated: 2019-05-28. Review status: criteria provided, single submitter. Criteria: Mendelics Assertion Criteria 2017. Collection method: clinical testing. Allele origin: unknown.

Illumina Laboratory Services, Illumina
Classification: Likely benign for Colorectal cancer, hereditary nonpolyposis, type 7. Last evaluated: 2017-04-27. Review status: criteria provided, single submitter. Criteria: ICSL Variant Classification Criteria 13 December 2019. Collection method: clinical testing. Allele origin: germline.
Comment: This variant was observed as part of a predisposition screen in an ostensibly healthy population. A literature search was performed for the gene, cDNA change, and amino acid change (where applicable). Publications were found based on this search. The evidence from the literature, in combination with allele frequency data from public databases where available, was sufficient to determine this variant is unlikely to cause disease. Therefore, this variant is classified as likely benign.

Breakthrough Genomics
Classification: Likely benign. Review status: criteria provided, single submitter. Criteria: ACMG Guidelines, 2015. Collection method: not provided. Allele origin: germline. Inheritance: Autosomal dominant inheritance. Affected: yes.

OMIM
Classification: Pathogenic for ENDOMETRIAL CANCER. Last evaluated: 2007-07-15. Review status: no assertion criteria provided. Collection method: literature only. Allele origin: germline. Not counted in ClinVar's aggregate classification.

OMIM
Classification: Pathogenic for COLORECTAL CANCER, HEREDITARY NONPOLYPOSIS, TYPE 7. Last evaluated: 2007-07-15. Review status: no assertion criteria provided. Collection method: literature only. Allele origin: germline. Not counted in ClinVar's aggregate classification.

Clinical Genetics, Academic Medical Center
Classification: Benign. Review status: no assertion criteria provided. Collection method: clinical testing. Allele origin: germline. Affected: yes. Study: VKGL Data-share Consensus. Not counted in ClinVar's aggregate classification.

Genome Diagnostics Laboratory, University Medical Center Utrecht
Classification: Benign. Review status: no assertion criteria provided. Collection method: clinical testing. Allele origin: germline. Affected: yes. Study: VKGL Data-share Consensus. Not counted in ClinVar's aggregate classification.

Laboratory of Diagnostic Genome Analysis, Leiden University Medical Center (LUMC)
Classification: Benign. Review status: no assertion criteria provided. Collection method: clinical testing. Allele origin: germline. Affected: yes. Study: VKGL Data-share Consensus. Not counted in ClinVar's aggregate classification.

Literature cited by the submitters: PubMed 17656264 (cited by Illumina Laboratory Services, Illumina and OMIM); PubMed 12702580 (cited by Illumina Laboratory Services, Illumina and OMIM); PubMed 22290698 (cited by Illumina Laboratory Services, Illumina).

NM_001040108.2(MLH3):c.2221G>T (p.Val741Phe)

Genes: AREL1 (apoptosis resistant E3 ubiquitin protein ligase 1; minus strand), MLH3 (mutL homolog 3; minus strand). Cytogenetic location: 14q24.3.
Variant type: single nucleotide variant.
Coding change: c.2221G>T on transcript NM_001040108.2 (MANE Select); coding-DNA position 2221, G replaced by T.
Protein change: p.Val741Phe; replaces valine 741 with phenylalanine.
Molecular consequence: missense variant.
Genome position (GRCh38, 1-based): chr14:75,047,435, C>A on the plus strand (G>T on the coding strand, the complement: MLH3 is on the minus strand). VCF-style: chr14-75047435-C-A. GRCh37 (hg19) VCF-style: chr14-75514138-C-A.
Other names: c.2221G>T, p.Val741Phe (NM_014381.3); short protein forms V741F.
Identifiers: ClinVar variation 5561 (VCV000005561.57), dbSNP rs28756990, ClinGen allele CA117594.